The following is an entry in ClinVar:

NM_000492.4(CFTR):c.3916C>T (p.Pro1306Ser)

Gene: CFTR (CF transmembrane conductance regulator; plus strand). Cytogenetic location: 7q31.2.
Variant type: single nucleotide variant.
Coding change: c.3916C>T on transcript NM_000492.4 (MANE Select); coding-DNA position 3916, C replaced by T.
Protein change: p.Pro1306Ser; replaces proline 1306 with serine.
Molecular consequence: missense variant.
Genome position (GRCh38, 1-based): chr7:117,652,884, C>T. VCF-style: chr7-117652884-C-T. GRCh37 (hg19) VCF-style: chr7-117292938-C-T.
Other names: short protein forms P1306S.
Identifiers: ClinVar variation 3231903 (VCV003231903.1), dbSNP rs201503139, ClinGen allele CA4451582.

ClinVar aggregate classification (germline): Uncertain significance (1 of 4 stars; one submission).

Conditions:
Cystic fibrosis (CF). Also called: MUCOVISCIDOSIS. Identifiers: Orphanet 586, MedGen C0010674, MONDO:0009061, OMIM 219700. Disease mechanism: loss of function.

Allele frequency attached by ClinVar (database versions not stated): ExAC 0.00001; gnomAD exomes 0.00002.
gnomAD v4.1: 21 of 1,599,970 alleles (0.0013%); highest among the groups gnomAD compares: Non-Finnish European, 0.0018%; no homozygotes.

Submission:

Ambry Genetics
Classification: Uncertain significance for Cystic fibrosis. Last evaluated: 2024-03-06. Review status: criteria provided, single submitter. Criteria: Ambry Variant Classification Scheme 2023. Collection method: clinical testing. Allele origin: germline.
Comment: The p.P1306S variant (also known as c.3916C>T), located in coding exon 24 of the CFTR gene, results from a C to T substitution at nucleotide position 3916. The proline at codon 1306 is replaced by serine, an amino acid with similar properties. This amino acid position is highly conserved in available vertebrate species. In addition, this alteration is predicted to be deleterious by in silico analysis. Based on the available evidence, the clinical significance of this alteration remains unclear.